The following is an entry in ClinVar:

ClinVar aggregate classification (germline): Uncertain significance (1 of 4 stars; one submission).

Conditions:
Hereditary cancer-predisposing syndrome. Also called: Neoplastic Syndromes, Hereditary; Tumor predisposition; Hereditary Cancer Syndrome; Hereditary neoplastic syndrome. Identifiers: Orphanet 140162, MedGen C0027672, MeSH D009386, MONDO:0015356.

Submission:

Ambry Genetics
Classification: Uncertain significance for Hereditary cancer-predisposing syndrome. Last evaluated: 2026-04-12. Review status: criteria provided, single submitter. Criteria: Ambry Variant Classification Scheme 2023. Collection method: clinical testing. Allele origin: germline.
Comment: The p.A242T variant (also known as c.724G>A), located in coding exon 3 of the MEN1 gene, results from a G to A substitution at nucleotide position 724. The alanine at codon 242 is replaced by threonine, an amino acid with similar properties. This amino acid position is conserved. In addition, this alteration is predicted to be deleterious by in silico analysis. Based on the available evidence, the clinical significance of this variant remains unclear.

NM_001370259.2(MEN1):c.724G>A (p.Ala242Thr)

Gene: MEN1 (menin 1; minus strand). Cytogenetic location: 11q13.1.
Variant type: single nucleotide variant.
Coding change: c.724G>A on transcript NM_001370259.2 (MANE Select); coding-DNA position 724, G replaced by A.
Protein change: p.Ala242Thr; replaces alanine 242 with threonine.
Molecular consequence: missense variant. On other transcripts: non-coding transcript variant (4).
Genome position (GRCh38, 1-based): chr11:64,807,611, C>T on the plus strand (G>A on the coding strand, the complement: MEN1 is on the minus strand). VCF-style: chr11-64807611-C-T. GRCh37 (hg19) VCF-style: chr11-64575083-C-T.
Other names: c.619G>A, p.Ala207Thr (NM_001407149.1, NM_001407151.1, NM_001370262.2 and 2 more transcripts); c.739G>A, p.Ala247Thr (NM_001407150.1, NM_130800.3, NM_130801.3 and 5 more transcripts); c.724G>A, p.Ala242Thr (NM_001407152.1, NM_130799.3, NM_001370251.2 and 7 more transcripts); short protein forms A207T, A242T, A247T.
Identifiers: ClinVar variation 4859899 (VCV004859899.1).
Genomic context (GRCh38, chr11:64,807,611, plus strand): 5'-CCTGCTGCAGCTGCAGAAGCTCCAGCGAGTCGGTGTGCAGGTCAATGGAAGGGTTGATGG[C>T]ACACACCATGAACGCCACCTCCATCTTGCGGTCACAGCGCATGTATGATCCTTTCAGGTA-3'
Protein context (NP_001357188.2, residues 232-252): RKMEVAFMVC[Ala242Thr]INPSIDLHTD